The following is an entry in ClinVar:

NM_005045.4(RELN):c.10092C>T (p.Ser3364=)

Genes: SLC26A5-AS1 (SLC26A5 antisense RNA 1; plus strand), RELN (reelin; minus strand). Cytogenetic location: 7q22.1.
Variant type: single nucleotide variant.
Coding change: c.10092C>T on transcript NM_005045.4 (MANE Select); coding-DNA position 10092, C replaced by T.
Protein change: p.Ser3364=; no amino-acid change (serine 3364 retained).
Molecular consequence: synonymous variant.
Genome position (GRCh38, 1-based): chr7:103,483,742, G>A on the plus strand (C>T on the coding strand, the complement: RELN is on the minus strand). VCF-style: chr7-103483742-G-A. GRCh37 (hg19) VCF-style: chr7-103124189-G-A.
Other names: c.10092C>T, p.Ser3364= (NM_173054.3).
Identifiers: ClinVar variation 932405 (VCV000932405.46), dbSNP rs771849243, ClinGen allele CA4420055.
Genomic context (GRCh38, chr7:103,483,742, plus strand): 5'-TTGTGTGAAGTCCTTTGGCTGGTGCTGGGCGATGACATGCCAGGTGATCCCGTTGTTGAC[G>A]CTGTATTGCAGCAGCACTGCCTTGTCCACAGCGTGGGGGCCACTCAGGTCACTGTTGCAG-3'
Protein context (NP_005036.2, residues 3354-3374): AVDKAVLLQY[Ser3364=]VNNGITWHVI

ClinVar aggregate classification (germline): Likely benign. Review status: criteria provided, multiple submitters, no conflicts (2 of 4 stars). 2 submissions from 2 submitters: Likely benign (2). Last evaluated 2024-09-01.

Conditions:
Norman-Roberts syndrome (LIS2). Also called: Lissencephaly 2 (Norman-Roberts type). Identifiers: Orphanet 89844, MedGen C0796089, MONDO:0009760, OMIM 257320.
Familial temporal lobe epilepsy 7. Identifiers: Orphanet 101046, MedGen C4225327, MONDO:0014639, OMIM 616436.

Allele frequency attached by ClinVar (database versions not stated): ExAC 0.00001; gnomAD 0.00001; gnomAD exomes 0.00001.
gnomAD v4.1: 9 of 1,614,016 alleles (0.00056%); highest among the groups gnomAD compares: Middle Eastern, 0.033%; no homozygotes.

Submissions (2):

CeGaT Center for Human Genetics Tuebingen
Classification: Likely benign. Last evaluated: 2024-09-01. Review status: criteria provided, single submitter. Criteria: CeGaT Center For Human Genetics Tuebingen Variant Classification Criteria Version 2. Collection method: clinical testing. Allele origin: germline. Affected: yes. Observed: 2 variant alleles.
Comment: RELN: BP4, BP7

Labcorp Genetics (formerly Invitae), Labcorp
Classification: Likely benign for Familial temporal lobe epilepsy 7; Norman-Roberts syndrome. Last evaluated: 2023-03-22. Review status: criteria provided, single submitter. Criteria: Invitae Variant Classification Sherloc (09022015). Collection method: clinical testing. Allele origin: germline.